The following is an entry in ClinVar:

ClinVar aggregate classification (germline): Benign (0 of 4 stars; one submission).

Conditions:
IQGAP3-related disorder. Also called: IQGAP3-related condition.

Allele frequency attached by ClinVar (database versions not stated): gnomAD exomes 0.00639; ExAC 0.00997; 1000 Genomes Project 0.01837; 1000 Genomes Project 30x 0.01921; ESP Exome Variant Server 0.02038.
gnomAD v4.1: 11,956 of 1,612,102 alleles (0.74%); highest among the groups gnomAD compares: African/African-American, 4.5%; 114 homozygotes.

Submission:

PreventionGenetics, part of Exact Sciences
Classification: Benign for IQGAP3-related condition. Last evaluated: 2019-09-30. Review status: no assertion criteria provided. Collection method: clinical testing. Allele origin: germline.
Comment: This variant is classified as benign based on ACMG/AMP sequence variant interpretation guidelines (Richards et al. 2015 PMID: 25741868, with internal and published modifications).

NM_178229.5(IQGAP3):c.1933G>A (p.Asp645Asn)

Gene: IQGAP3 (IQ motif containing GTPase activating protein 3; minus strand). Cytogenetic location: 1q22.
Variant type: single nucleotide variant.
Coding change: c.1933G>A on transcript NM_178229.5 (MANE Select); coding-DNA position 1933, G replaced by A.
Protein change: p.Asp645Asn; replaces aspartic acid 645 with asparagine.
Molecular consequence: missense variant.
Genome position (GRCh38, 1-based): chr1:156,548,641, C>T on the plus strand (G>A on the coding strand, the complement: IQGAP3 is on the minus strand). VCF-style: chr1-156548641-C-T. GRCh37 (hg19) VCF-style: chr1-156518433-C-T.
Other names: short protein forms D645N.
Identifiers: ClinVar variation 3041560 (VCV003041560.2), dbSNP rs11264496, ClinGen allele CA1161478.
Genomic context (GRCh38, chr1:156,548,641, plus strand): 5'-CTGGACGCTGTTTCTTTGCCATGGCACTTTCCAGGGCTCGCTGGTAGCCGTTGGCACAGT[C>T]GGGAACTACCCCTCGAAGGGCCACTGCGGGGTTCCTCAACACCCGCTCAGTCTGGGCTGC-3'
Protein context (NP_839943.3, residues 635-655): PAVALRGVVP[Asp645Asn]CANGYQRALE